The following is an entry in ClinVar:

NM_001127198.5(TMC6):c.1333G>A (p.Ala445Thr)

Gene: TMC6 (transmembrane channel like 6; minus strand). Cytogenetic location: 17q25.3.
Variant type: single nucleotide variant.
Coding change: c.1333G>A on transcript NM_001127198.5 (MANE Select); coding-DNA position 1333, G replaced by A.
Protein change: p.Ala445Thr; replaces alanine 445 with threonine.
Molecular consequence: missense variant.
Genome position (GRCh38, 1-based): chr17:78,121,606, C>T on the plus strand (G>A on the coding strand, the complement: TMC6 is on the minus strand). VCF-style: chr17-78121606-C-T. GRCh37 (hg19) VCF-style: chr17-76117687-C-T.
Other names: c.1333G>A, p.Ala445Thr (NM_001321185.1, NM_001374593.1, NM_001374594.1 and 4 more transcripts); c.1333G>A (NM_007267.6); short protein forms A445T.
Identifiers: ClinVar variation 1008947 (VCV001008947.5), dbSNP rs750556964, ClinGen allele CA8795785.

ClinVar aggregate classification (germline): Conflicting classifications of pathogenicity. Review status: criteria provided, conflicting classifications (1 of 4 stars). 2 submissions from 2 submitters: Uncertain significance (1); Likely benign (1). Last evaluated 2024-10-16.

Conditions:
Epidermodysplasia verruciformis. Identifiers: Orphanet 302, MedGen C0014522, MONDO:0009176.
Inborn genetic diseases. Identifiers: MedGen C0950123, MeSH D030342.

Allele frequency attached by ClinVar (database versions not stated): gnomAD exomes 0.00007; ExAC 0.00008; gnomAD 0.00009; TOPMed 0.00006.

Submissions (2):

Ambry Genetics
Classification: Likely benign for Inborn genetic diseases. Last evaluated: 2024-10-16. Review status: criteria provided, single submitter. Criteria: Ambry Variant Classification Scheme 2023. Collection method: clinical testing. Allele origin: germline.

Labcorp Genetics (formerly Invitae), Labcorp
Classification: Uncertain significance for Epidermodysplasia verruciformis. Last evaluated: 2022-10-14. Review status: criteria provided, single submitter. Criteria: Invitae Variant Classification Sherloc (09022015). Collection method: clinical testing. Allele origin: germline.
Comment: This sequence change replaces alanine, which is neutral and non-polar, with threonine, which is neutral and polar, at codon 445 of the TMC6 protein (p.Ala445Thr). This variant is present in population databases (rs750556964, gnomAD 0.01%). This variant has not been reported in the literature in individuals affected with TMC6-related conditions. ClinVar contains an entry for this variant (Variation ID: 1008947). Algorithms developed to predict the effect of missense changes on protein structure and function output the following: SIFT: "Not Available"; PolyPhen-2: "Benign"; Align-GVGD: "Not Available". The threonine amino acid residue is found in multiple mammalian species, which suggests that this missense change does not adversely affect protein function. In summary, the available evidence is currently insufficient to determine the role of this variant in disease. Therefore, it has been classified as a Variant of Uncertain Significance.